The following is an entry in ClinVar:

ClinVar aggregate classification (germline): Uncertain significance (1 of 4 stars; one submission).

Conditions:
Nephronophthisis. Also called: Juvenile Nephronophthisis. Identifiers: Orphanet 655, MedGen C0687120, MONDO:0019005, HP:0000090.

Allele frequency attached by ClinVar (database versions not stated): gnomAD exomes below 0.00001.
gnomAD v4.1: 3 of 1,285,340 alleles (0.00023%); highest among the groups gnomAD compares: South Asian, 0.0024%; no homozygotes.

Submission:

Labcorp Genetics (formerly Invitae), Labcorp
Classification: Uncertain significance for Nephronophthisis. Last evaluated: 2022-06-24. Review status: criteria provided, single submitter. Criteria: Invitae Variant Classification Sherloc (09022015). Collection method: clinical testing. Allele origin: germline.
Comment: This sequence change falls in intron 8 of the NPHP3 gene. It does not directly change the encoded amino acid sequence of the NPHP3 protein. It affects a nucleotide within the consensus splice site. This variant is present in population databases (no rsID available, gnomAD 0.003%). This variant has not been reported in the literature in individuals affected with NPHP3-related conditions. Variants that disrupt the consensus splice site are a relatively common cause of aberrant splicing (PMID: 17576681, 9536098). Algorithms developed to predict the effect of sequence changes on RNA splicing suggest that this variant is not likely to affect RNA splicing. In summary, the available evidence is currently insufficient to determine the role of this variant in disease. Therefore, it has been classified as a Variant of Uncertain Significance.

Literature cited by the submitters: PubMed 17576681; PubMed 9536098.

NM_153240.5(NPHP3):c.1350+5A>G

Genes: NPHP3 (nephrocystin 3; minus strand), NPHP3-ACAD11 (NPHP3-ACAD11 readthrough (NMD candidate); minus strand). Cytogenetic location: 3q22.1.
Variant type: single nucleotide variant.
Coding change: c.1350+5A>G on transcript NM_153240.5 (MANE Select); 5 bases into the intron after coding-DNA position 1350, A replaced by G.
Molecular consequence: intron variant.
Genome position (GRCh38, 1-based): chr3:132,705,735, T>C on the plus strand (A>G on the coding strand, the complement: NPHP3 is on the minus strand). VCF-style: chr3-132705735-T-C. GRCh37 (hg19) VCF-style: chr3-132424579-T-C.
Identifiers: ClinVar variation 1481000 (VCV001481000.6), dbSNP rs1422460034, ClinGen allele CA546269835.
Genomic context (GRCh38, chr3:132,705,735, plus strand): 5'-ATCAATTTCATAGAAAGTGATCTTAAAATATTTTAGATGAAAACTTACAGAGAATGCATA[T>C]TTACCTGTTTAATAATCTTTTCTACACAAATATAAGTTTTATATACTCCTTCTGCAGGAT-3'